The following is an entry in ClinVar:

NM_000516.7(GNAS):c.139+23_139+53dup

Gene: GNAS (GNAS complex locus; plus strand). Cytogenetic location: 20q13.32.
Variant type: Duplication.
Coding change: c.139+23_139+53dup on transcript NM_000516.7 (MANE Select); bases 23 to 53 of the intron after coding-DNA position 139, 31 bases duplicated.
Molecular consequence: intron variant.
Genome position (GRCh38, 1-based): chr20:58,891,888-58,891,918, 31 bases duplicated; duplicating any 31 consecutive bases within chr20:58,891,881-58,891,918 gives the same sequence; the c. name uses the placement nearest the transcript's 3' end. GRCh37 (hg19): chr20:57,466,943-57,466,973.
Other names: c.*43-3724_*43-3694dup (NM_016592.5); c.44-3724_44-3694dup (NM_001410912.1); c.-38-3724_-38-3694dup (NM_001309861.2); c.*1-3724_*1-3694dup (NM_001077490.3); c.2069-3724_2069-3694dup (NM_080425.4, NM_001410913.1); c.*159-3724_*159-3694dup (NM_001309883.1); c.-39+2535_-39+2565dup (NM_001309840.2); c.139+23_139+53dup (NM_001077488.5, NM_080426.4, NM_001077489.4 and 1 more transcripts).
Identifiers: ClinVar variation 3648089 (VCV003648089.2).

ClinVar aggregate classification (germline): Uncertain significance (1 of 4 stars; one submission).

Submission:

Labcorp Genetics (formerly Invitae), Labcorp
Classification: Uncertain significance. Last evaluated: 2024-10-24. Review status: criteria provided, single submitter. Criteria: Invitae Variant Classification Sherloc (09022015). Collection method: clinical testing. Allele origin: germline.
Comment: This sequence change falls in intron 1 of the GNAS gene. It does not directly change the encoded amino acid sequence of the GNAS protein. This variant is not present in population databases (gnomAD no frequency). This variant has not been reported in the literature in individuals affected with GNAS-related conditions. Experimental studies and prediction algorithms are not available or were not evaluated, and the effect of this variant on mRNA splicing is currently unknown. In summary, the available evidence is currently insufficient to determine the role of this variant in disease. Therefore, it has been classified as a Variant of Uncertain Significance.